The following is an entry in ClinVar:

ClinVar aggregate classification (germline): Uncertain significance (1 of 4 stars; one submission).

Conditions:
Developmental and epileptic encephalopathy, 32 (DEE32). Also called: Epileptic encephalopathy, early infantile, 32. Identifiers: Orphanet 442835, MedGen C4225350, MONDO:0014607, OMIM 616366.

Submission:

Labcorp Genetics (formerly Invitae), Labcorp
Classification: Uncertain significance for Developmental and epileptic encephalopathy, 32. Last evaluated: 2020-07-25. Review status: criteria provided, single submitter. Criteria: Invitae Variant Classification Sherloc (09022015). Collection method: clinical testing. Allele origin: germline.
Comment: Advanced modeling of protein sequence and biophysical properties (such as structural, functional, and spatial information, amino acid conservation, physicochemical variation, residue mobility, and thermodynamic stability) performed at Invitae indicates that this missense variant is not expected to disrupt KCNA2 protein function. In summary, the available evidence is currently insufficient to determine the role of this variant in disease. Therefore, it has been classified as a Variant of Uncertain Significance. This variant has not been reported in the literature in individuals with KCNA2-related conditions. This variant is not present in population databases (ExAC no frequency). This sequence change replaces leucine with valine at codon 15 of the KCNA2 protein (p.Leu15Val). The leucine residue is highly conserved and there is a small physicochemical difference between leucine and valine.

NM_004974.4(KCNA2):c.43C>G (p.Leu15Val)

Gene: KCNA2 (potassium voltage-gated channel subfamily A member 2; minus strand). Cytogenetic location: 1p13.3.
Variant type: single nucleotide variant.
Coding change: c.43C>G on transcript NM_004974.4 (MANE Select); coding-DNA position 43, C replaced by G.
Protein change: p.Leu15Val; replaces leucine 15 with valine.
Molecular consequence: missense variant.
Genome position (GRCh38, 1-based): chr1:110,604,740, G>C on the plus strand (C>G on the coding strand, the complement: KCNA2 is on the minus strand). VCF-style: chr1-110604740-G-C. GRCh37 (hg19) VCF-style: chr1-111147362-G-C.
Other names: c.43C>G, p.Leu15Val (NM_001204269.2); short protein forms L15V.
Identifiers: ClinVar variation 1020683 (VCV001020683.9), dbSNP rs1649522982, ClinGen allele CA341607327.
Genomic context (GRCh38, chr1:110,604,740, plus strand): 5'-CCCTCTCACAGCACTCGTGGTCTGCCTCTGGGTCATAGGTGTCCTGTGGGTGCCCAGGGA[G>C]GGCAGCAGCCTCGTCTGCTGGGTCTCCGGTGGCCACTGTCATAATTGGGACTGAGAGAAG-3'
Protein context (NP_004965.1, residues 5-25): TGDPADEAAA[Leu15Val]PGHPQDTYDP